The following is an entry in ClinVar:

NM_001256114.2(LHX8):c.411C>T (p.Asp137=)

Gene: LHX8 (LIM homeobox 8; plus strand). Cytogenetic location: 1p31.1.
Variant type: single nucleotide variant.
Coding change: c.411C>T on transcript NM_001256114.2 (MANE Select); coding-DNA position 411, C replaced by T.
Protein change: p.Asp137=; no amino-acid change (aspartic acid 137 retained).
Molecular consequence: synonymous variant.
Genome position (GRCh38, 1-based): chr1:75,143,169, C>T. VCF-style: chr1-75143169-C-T. GRCh37 (hg19) VCF-style: chr1-75608854-C-T.
Other names: c.441C>T, p.Asp147= (NM_001001933.1).
Identifiers: ClinVar variation 787749 (VCV000787749.6), dbSNP rs12084309, ClinGen allele CA911905.

ClinVar aggregate classification (germline): Benign. Review status: criteria provided, multiple submitters, no conflicts (2 of 4 stars). 3 submissions from 3 submitters: Benign (2). 1 of the submissions does not count toward it. Last evaluated 2018-05-18.

Conditions:
LHX8-related disorder. Also called: LHX8-related condition.

Allele frequency attached by ClinVar (database versions not stated): gnomAD exomes 0.00085 and 0.00235; ExAC 0.00273; 1000 Genomes Project 0.00779; 1000 Genomes Project 30x 0.00781; gnomAD 0.00934 and 0.01014; ESP Exome Variant Server 0.00992; TOPMed 0.01050.
gnomAD v4.1: 2,739 of 1,613,766 alleles (0.17%); highest among the groups gnomAD compares: African/African-American, 3.2%; 51 homozygotes.

Submissions (3):

Labcorp Genetics (formerly Invitae), Labcorp
Classification: Benign. Last evaluated: 2018-05-18. Review status: criteria provided, single submitter. Criteria: Invitae Variant Classification Sherloc (09022015). Collection method: clinical testing. Allele origin: germline.

Breakthrough Genomics
Classification: Benign. Review status: criteria provided, single submitter. Criteria: ACMG Guidelines, 2015. Collection method: not provided. Allele origin: germline. Inheritance: Unknown mechanism. Affected: yes.

PreventionGenetics, part of Exact Sciences
Classification: Benign for LHX8-related condition. Last evaluated: 2019-03-18. Review status: no assertion criteria provided. Collection method: clinical testing. Allele origin: germline. Not counted in ClinVar's aggregate classification.
Comment: This variant is classified as benign based on ACMG/AMP sequence variant interpretation guidelines (Richards et al. 2015 PMID: 25741868, with internal and published modifications).